The following is an entry in ClinVar:

ClinVar aggregate classification (germline): Uncertain significance. Review status: criteria provided, multiple submitters, no conflicts (2 of 4 stars). 3 submissions from 3 submitters: Uncertain significance (3). Last evaluated 2025-12-18.

Conditions:
Epidermolysis bullosa simplex with nail dystrophy (EBS5D). Identifiers: MedGen C4225309, MONDO:0014661, OMIM 616487.
Autosomal recessive limb-girdle muscular dystrophy type 2Q (LGMDR17). Also called: MUSCULAR DYSTROPHY, LIMB-GIRDLE, AUTOSOMAL RECESSIVE 17. Identifiers: Orphanet 254361, MedGen C3150989, MONDO:0013390, OMIM 613723.
Epidermolysis bullosa simplex 5B, with muscular dystrophy (EBS5B). Also called: EPIDERMOLYSIS BULLOSA SIMPLEX AND LIMB-GIRDLE MUSCULAR DYSTROPHY; Epidermolysis bullosa simplex with muscular dystrophy. Identifiers: Orphanet 257, MedGen C2931072, MONDO:0009181, OMIM 226670.
Epidermolysis bullosa simplex, Ogna type (EBS5A). Also called: Pidermolysis bullosa simplex 5A, Ogna type; EPIDERMOLYSIS BULLOSA SIMPLEX 5A, OGNA TYPE. Identifiers: Orphanet 79401, MedGen C0432317, MONDO:0007555, OMIM 131950.
Epidermolysis bullosa simplex 5C, with pyloric atresia (EBS5C). Also called: PLEC-Related Epidermolysis Bullosa with Pyloric Atresia; PLEC1-Related Epidermolysis Bullosa with Pyloric Atresia; Epidermolysis bullosa simplex with pyloric atresia. Identifiers: Orphanet 158684, MedGen C2677349, MONDO:0012807, OMIM 612138.
Inborn genetic diseases. Identifiers: MedGen C0950123, MeSH D030342.

Allele frequency attached by ClinVar (database versions not stated): gnomAD exomes 0.00010 and 0.00009; ESP Exome Variant Server 0.00016; gnomAD 0.00006; ExAC 0.00007; TOPMed 0.00007.
gnomAD v4.1: 151 of 1,609,524 alleles (0.0094%); highest among the groups gnomAD compares: East Asian, 0.15%; no homozygotes.

Submissions (3):

Labcorp Genetics (formerly Invitae), Labcorp
Classification: Uncertain significance for Autosomal recessive limb-girdle muscular dystrophy type 2Q; Epidermolysis bullosa simplex, Ogna type; Epidermolysis bullosa simplex with nail dystrophy; Epidermolysis bullosa simplex 5C, with pyloric atresia; Epidermolysis bullosa simplex 5B, with muscular dystrophy. Last evaluated: 2025-12-18. Review status: criteria provided, single submitter. Criteria: Invitae Variant Classification Sherloc (09022015). Collection method: clinical testing. Allele origin: germline.
Comment: This sequence change replaces arginine, which is basic and polar, with tryptophan, which is neutral and slightly polar, at codon 3102 of the PLEC protein (p.Arg3102Trp). This variant is present in population databases (rs376638828, gnomAD 0.08%). This variant has not been reported in the literature in individuals affected with PLEC-related conditions. ClinVar contains an entry for this variant (Variation ID: 429245). An algorithm developed to predict the effect of missense changes on protein structure and function (PolyPhen-2) suggests that this variant is likely to be disruptive. In summary, the available evidence is currently insufficient to determine the role of this variant in disease. Therefore, it has been classified as a Variant of Uncertain Significance.

Ambry Genetics
Classification: Uncertain significance for Inborn genetic diseases. Last evaluated: 2022-02-04. Review status: criteria provided, single submitter. Criteria: Ambry Variant Classification Scheme 2023. Collection method: clinical testing. Allele origin: germline.

GeneDx
Classification: Uncertain significance. Last evaluated: 2017-05-01. Review status: criteria provided, single submitter. Criteria: GeneDx Variant Classification (06012015). Collection method: clinical testing. Allele origin: germline. Affected: yes.
Comment: The R3102W variant has not been published as a pathogenic variant, nor has it been reported as a benign variant to our knowledge. The R3102W variant is observed in 4/8340 (0.05%) alleles from individuals of East Asian background (Lek et al., 2016; 1000 Genomes Consortium et al., 2015; Exome Variant Server). This variant is a non-conservative amino acid substitution, which is likely to impact secondary protein structure as these residues differ in polarity, charge, size and/or other properties. This substitution occurs at a position that is conserved in mammals; however, missense variants in nearby residues have not been reported in the Human Gene Mutation Database in association with PLEC-related disorders (Stenson et al., 2014). In silico analysis is inconsistent in its predictions as to whether or not the variant is damaging to the protein structure/function.

NM_201384.3(PLEC):c.9223C>T (p.Arg3075Trp)

Gene: PLEC (plectin; minus strand). Cytogenetic location: 8q24.3.
Variant type: single nucleotide variant.
Coding change: c.9223C>T on transcript NM_201384.3 (MANE Select); coding-DNA position 9223, C replaced by T.
Protein change: p.Arg3075Trp; replaces arginine 3075 with tryptophan.
Molecular consequence: missense variant.
Genome position (GRCh38, 1-based): chr8:143,920,598, G>A on the plus strand (C>T on the coding strand, the complement: PLEC is on the minus strand). VCF-style: chr8-143920598-G-A. GRCh37 (hg19) VCF-style: chr8-144994766-G-A.
Other names: c.9304C>T, p.Arg3102Trp (NM_000445.5); c.9181C>T, p.Arg3061Trp (NM_201378.4); c.9157C>T, p.Arg3053Trp (NM_201379.3); c.9634C>T, p.Arg3212Trp (NM_201380.4); c.9127C>T, p.Arg3043Trp (NM_201381.3); c.9223C>T, p.Arg3075Trp (NM_201382.4); c.9235C>T, p.Arg3079Trp (NM_201383.3); short protein forms R3043W, R3053W, R3061W, R3075W, R3079W, R3102W, R3212W.
Identifiers: ClinVar variation 429245 (VCV000429245.9), dbSNP rs376638828, ClinGen allele CA4925031.
Genomic context (GRCh38, chr8:143,920,598, plus strand): 5'-GCTTCTCATGAAACTCGGGGCCCACCAGGCCAGCACGCACTGCCTCGTCCACGGTCAGCC[G>A]GGCGCTGGTGGCGGGGTCGATGATGTGCCCGGTGCCGGCCTGGGCTTCCAACAGGGCCAC-3'
Protein context (NP_958786.1, residues 3065-3085): GHIIDPATSA[Arg3075Trp]LTVDEAVRAG